The following is an entry in ClinVar:

NM_000316.3(PTH1R):c.1169G>A (p.Arg390Gln)

Gene: PTH1R (parathyroid hormone 1 receptor; plus strand). Cytogenetic location: 3p21.31.
Variant type: single nucleotide variant.
Coding change: c.1169G>A on transcript NM_000316.3 (MANE Select); coding-DNA position 1169, G replaced by A.
Protein change: p.Arg390Gln; replaces arginine 390 with glutamine.
Molecular consequence: missense variant.
Genome position (GRCh38, 1-based): chr3:46,901,818, G>A. VCF-style: chr3-46901818-G-A. GRCh37 (hg19) VCF-style: chr3-46943308-G-A.
Other names: c.1169G>A, p.Arg390Gln (NM_001184744.1); short protein forms R390Q.
Identifiers: ClinVar variation 3712416 (VCV003712416.2).

ClinVar aggregate classification (germline): Uncertain significance (1 of 4 stars; one submission).

gnomAD v4.1: 16 of 1,613,930 alleles (0.00099%); highest among the groups gnomAD compares: African/African-American, 0.004%; no homozygotes.

Submission:

Labcorp Genetics (formerly Invitae), Labcorp
Classification: Uncertain significance. Last evaluated: 2024-09-03. Review status: criteria provided, single submitter. Criteria: Invitae Variant Classification Sherloc (09022015). Collection method: clinical testing. Allele origin: germline.
Comment: This sequence change replaces arginine, which is basic and polar, with glutamine, which is neutral and polar, at codon 390 of the PTH1R protein (p.Arg390Gln). This variant is present in population databases (rs749905840, gnomAD 0.004%). This variant has not been reported in the literature in individuals affected with PTH1R-related conditions. Invitae Evidence Modeling of protein sequence and biophysical properties (such as structural, functional, and spatial information, amino acid conservation, physicochemical variation, residue mobility, and thermodynamic stability) indicates that this missense variant is not expected to disrupt PTH1R protein function with a negative predictive value of 80%. In summary, the available evidence is currently insufficient to determine the role of this variant in disease. Therefore, it has been classified as a Variant of Uncertain Significance.